The following is an entry in ClinVar:

ClinVar aggregate classification (germline): Uncertain significance (1 of 4 stars; one submission).

Conditions:
Hereditary cancer-predisposing syndrome. Also called: Hereditary neoplastic syndrome; Hereditary Cancer Syndrome; Neoplastic Syndromes, Hereditary; Tumor predisposition. Identifiers: Orphanet 140162, MedGen C0027672, MeSH D009386, MONDO:0015356.

Submission:

Ambry Genetics
Classification: Uncertain significance for Hereditary cancer-predisposing syndrome. Last evaluated: 2023-04-08. Review status: criteria provided, single submitter. Criteria: Ambry Variant Classification Scheme 2023. Collection method: clinical testing. Allele origin: germline.
Comment: The p.Y1166S variant (also known as c.3497A>C), located in coding exon 15 of the APC gene, results from an A to C substitution at nucleotide position 3497. The tyrosine at codon 1166 is replaced by serine, an amino acid with dissimilar properties. This amino acid position is conserved. In addition, in silico predictors for this gene do not accurately predict pathogenicity. Since supporting evidence is limited at this time, the clinical significance of this alteration remains unclear.

NM_000038.6(APC):c.3497A>C (p.Tyr1166Ser)

Gene: APC (APC regulator of Wnt signaling pathway; plus strand). Cytogenetic location: 5q22.2.
Variant type: single nucleotide variant.
Coding change: c.3497A>C on transcript NM_000038.6 (MANE Select); coding-DNA position 3497, A replaced by C.
Protein change: p.Tyr1166Ser; replaces tyrosine 1166 with serine.
Molecular consequence: missense variant. On other transcripts: non-coding transcript variant (2).
Genome position (GRCh38, 1-based): chr5:112,839,091, A>C. VCF-style: chr5-112839091-A-C. GRCh37 (hg19) VCF-style: chr5-112174788-A-C.
Other names: c.3497A>C, p.Tyr1166Ser (NM_001127510.3, NM_001354895.2, NM_001407450.1); c.3443A>C, p.Tyr1148Ser (NM_001127511.3); c.3551A>C, p.Tyr1184Ser (NM_001354896.2, NM_001407447.1, NM_001407448.1 and 1 more transcripts); c.3527A>C, p.Tyr1176Ser (NM_001354897.2); c.3422A>C, p.Tyr1141Ser (NM_001354898.2); c.3413A>C, p.Tyr1138Ser (NM_001354899.2); c.3374A>C, p.Tyr1125Ser (NM_001354900.2); c.3320A>C, p.Tyr1107Ser (NM_001354901.2, NM_001407453.1); and 11 more; short protein forms Y1006S, Y1037S, Y1065S, Y1075S, Y1148S, Y1040S, Y1083S, Y1141S.
Identifiers: ClinVar variation 2566959 (VCV002566959.2), dbSNP rs1239036391, ClinGen allele CA16029009.